The following is an entry in ClinVar:

NM_004006.3(DMD):c.4483C>T (p.Gln1495Ter)

Gene: DMD (dystrophin; minus strand). Cytogenetic location: Xp21.1.
Variant type: single nucleotide variant.
Coding change: c.4483C>T on transcript NM_004006.3 (MANE Select); coding-DNA position 4483, C replaced by T.
Protein change: p.Gln1495Ter; replaces glutamine 1495 with a stop codon.
Molecular consequence: nonsense.
Genome position (GRCh38, 1-based): chrX:32,389,536, G>A on the plus strand (C>T on the coding strand, the complement: DMD is on the minus strand). VCF-style: chrX-32389536-G-A. GRCh37 (hg19) VCF-style: chrX-32407653-G-A.
Other names: c.4459C>T, p.Gln1487Ter (NM_000109.4); c.4471C>T, p.Gln1491Ter (NM_004009.3); c.4114C>T, p.Gln1372Ter (NM_004010.3); c.460C>T, p.Gln154Ter (NM_004011.4); c.451C>T, p.Gln151Ter (NM_004012.4); short protein forms Q1495*, Q1487*, Q1491*, Q151*, Q1372*, Q154*.
Identifiers: ClinVar variation 288923 (VCV000288923.17), dbSNP rs748769566, ClinGen allele CA10606266.

ClinVar aggregate classification (germline): Pathogenic. Review status: criteria provided, multiple submitters, no conflicts (2 of 4 stars). 4 submissions from 4 submitters: Pathogenic (4). Last evaluated 2025-02-06.

Conditions:
Becker muscular dystrophy (BMD). Also called: MUSCULAR DYSTROPHY, PSEUDOHYPERTROPHIC PROGRESSIVE, BECKER TYPE; Becker Muscular Dystrophy (BMD). Identifiers: Orphanet 98895, MedGen C0917713, MONDO:0010311, OMIM 300376.
Duchenne muscular dystrophy (DMD). Also called: Duchenne Muscular Dystrophy (DMD); MUSCULAR DYSTROPHY, PSEUDOHYPERTROPHIC PROGRESSIVE, DUCHENNE TYPE. Identifiers: Orphanet 98896, MedGen C0013264, MONDO:0010679, OMIM 310200.
Dilated cardiomyopathy 3B (CMD3B). Also called: CMD3B: DMD-Related Dilated Cardiomyopathy; CARDIOMYOPATHY, DILATED, X-LINKED; DMD-Associated Dilated Cardiomyopathy. Identifiers: Orphanet 154, MedGen C3668940, MONDO:0010542, OMIM 302045.

Submissions (4):

Dasa
Classification: Pathogenic. Last evaluated: 2025-02-06. Review status: criteria provided, single submitter. Criteria: DASA Assertion Criteria. Collection method: clinical testing. Allele origin: germline.
Comment: NM_004006.3(DMD):c.4483C>T (p.Gln1495*) introduces a premature termination codon predicted to result in loss of normal protein function. Loss-of-function is an established mechanism of disease for this gene. This variant has been recurrently observed in individuals with related phenotype (PMID: 25612904; PMID: 22702330; PMID: 19937601). The variant is present at low frequency in population datasets. Based on the available data, this variant is classified as pathogenic.

Labcorp Genetics (formerly Invitae), Labcorp
Classification: Pathogenic for Duchenne muscular dystrophy. Last evaluated: 2024-02-24. Review status: criteria provided, single submitter. Criteria: Invitae Variant Classification Sherloc (09022015). Collection method: clinical testing. Allele origin: germline.
Comment: This sequence change creates a premature translational stop signal (p.Gln1495*) in the DMD gene. It is expected to result in an absent or disrupted protein product. Loss-of-function variants in DMD are known to be pathogenic (PMID: 16770791, 25007885). This variant is not present in population databases (gnomAD no frequency). This premature translational stop signal has been observed in individuals with Duchenne muscular dystrophy (PMID: 19937601, 21515508). ClinVar contains an entry for this variant (Variation ID: 288923). Algorithms developed to predict the effect of sequence changes on RNA splicing suggest that this variant may disrupt the consensus splice site. For these reasons, this variant has been classified as Pathogenic.

Eurofins Ntd Llc (ga)
Classification: Pathogenic. Last evaluated: 2016-07-20. Review status: criteria provided, single submitter. Criteria: EGL Classification Definitions 2015. Collection method: clinical testing. Allele origin: germline. Observed: 1 variant allele, 1 hemizygote.

Juno Genomics, Hangzhou Juno Genomics, Inc
Classification: Pathogenic for Becker muscular dystrophy; Dilated cardiomyopathy 3B; Duchenne muscular dystrophy. Review status: criteria provided, single submitter. Criteria: ACMG Guidelines, 2015. Collection method: clinical testing. Allele origin: germline. Affected: yes.
Comment: Absent from controls (or at extremely low frequency if recessive) in Genome Aggregation Database, Exome Sequencing Project, 1000 Genomes Project, or Exome Aggregation Consortium.;Null variant in a gene where loss of function (LOF) is a known mechanism of disease.;The prevalence of the variant in affected individuals is significantly increased compared to the prevalence in controls.;Patient's phenotype or family history is highly specific for a disease with a single genetic etiology.

Literature cited by the submitters: PubMed 25612904 (cited by Dasa); PubMed 22702330 (cited by Dasa); PubMed 19937601 (cited by 3 submitters); PubMed 16770791 (cited by Labcorp Genetics (formerly Invitae), Labcorp); PubMed 25007885 (cited by Labcorp Genetics (formerly Invitae), Labcorp); PubMed 21515508 (cited by Labcorp Genetics (formerly Invitae), Labcorp).